The following is an entry in ClinVar:

NM_002317.7(LOX):c.34C>T (p.Pro12Ser)

Genes: LOX (lysyl oxidase; minus strand), SRFBP1 (serum response factor binding protein 1; plus strand). Cytogenetic location: 5q23.1.
Variant type: single nucleotide variant.
Coding change: c.34C>T on transcript NM_002317.7 (MANE Select); coding-DNA position 34, C replaced by T.
Protein change: p.Pro12Ser; replaces proline 12 with serine.
Molecular consequence: missense variant.
Genome position (GRCh38, 1-based): chr5:122,077,952, G>A on the plus strand (C>T on the coding strand, the complement: LOX is on the minus strand). VCF-style: chr5-122077952-G-A. GRCh37 (hg19) VCF-style: chr5-121413647-G-A.
Other names: short protein forms P12S.
Identifiers: ClinVar variation 4098965 (VCV004098965.1).

ClinVar aggregate classification (germline): Uncertain significance (1 of 4 stars; one submission).

Conditions:
Cardiovascular phenotype. Identifiers: MedGen CN230736.

gnomAD v4.1: 16 of 1,478,924 alleles (0.0011%); highest among the groups gnomAD compares: South Asian, 0.018%; 1 homozygote.

Submission:

Ambry Genetics
Classification: Uncertain significance for Cardiovascular phenotype. Last evaluated: 2025-07-28. Review status: criteria provided, single submitter. Criteria: Ambry Variant Classification Scheme 2023. Collection method: clinical testing. Allele origin: germline.
Comment: The p.P12S variant (also known as c.34C>T), located in coding exon 1 of the LOX gene, results from a C to T substitution at nucleotide position 34. The proline at codon 12 is replaced by serine, an amino acid with similar properties. This amino acid position is conserved. In addition, this alteration is predicted to be tolerated by in silico analysis. Based on the available evidence, the clinical significance of this variant remains unclear.